The following is an entry in ClinVar:

ClinVar aggregate classification (germline): Uncertain significance. Review status: criteria provided, multiple submitters, no conflicts (2 of 4 stars). 2 submissions from 2 submitters: Uncertain significance (2). Last evaluated 2026-01-25.

Conditions:
Welander distal myopathy (WDM). Also called: Gower's muscular dystrophy; MUSCULAR DYSTROPHY, DISTAL, LATE-ONSET, AUTOSOMAL DOMINANT; Welander distal myopathy, Swedish type; Distal myopathy, Swedish type. Identifiers: Orphanet 603, MedGen C0221054, MONDO:0011466, OMIM 604454.

Allele frequency attached by ClinVar (database versions not stated): gnomAD exomes 0.00010 and 0.00013; TOPMed 0.00010; ExAC 0.00011; gnomAD 0.00014.
gnomAD v4.1: 206 of 1,609,078 alleles (0.013%); highest among the groups gnomAD compares: Non-Finnish European, 0.016%; 2 homozygotes.

Submissions (3):

Labcorp Genetics (formerly Invitae), Labcorp
Classification: Uncertain significance for Welander distal myopathy. Last evaluated: 2026-01-25. Review status: criteria provided, single submitter. Criteria: Invitae Variant Classification Sherloc (09022015). Collection method: clinical testing. Allele origin: germline.
Comment: This sequence change falls in intron 7 of the TIA1 gene. It does not directly change the encoded amino acid sequence of the TIA1 protein. It affects a nucleotide within the consensus splice site. This variant is present in population databases (rs200499196, gnomAD 0.02%). This variant has not been reported in the literature in individuals affected with TIA1-related conditions. ClinVar contains an entry for this variant (Variation ID: 458840). Variants that disrupt the consensus splice site are a relatively common cause of aberrant splicing (PMID: 17576681, 9536098). Algorithms developed to predict the effect of sequence changes on RNA splicing suggest that this variant is not likely to affect RNA splicing. In summary, the available evidence is currently insufficient to determine the role of this variant in disease. Therefore, it has been classified as a Variant of Uncertain Significance.

Athena Diagnostics
Classification: Uncertain significance. Last evaluated: 2023-11-09. Review status: criteria provided, single submitter. Criteria: Athena Diagnostics Criteria. Collection method: clinical testing. Allele origin: unknown.

Dr. Peter K. Rogan Lab, Western University
No classification provided (evidence only). Condition: Gastric cancer. Review status: no classification provided. Collection method: in vitro. Allele origin: not applicable. Functional consequence: retained intron. Not counted in ClinVar's aggregate classification.

Literature cited by the submitters: PubMed 17576681 (cited by Labcorp Genetics (formerly Invitae), Labcorp); PubMed 9536098 (cited by Labcorp Genetics (formerly Invitae), Labcorp).

NM_022173.4(TIA1):c.475-3C>T

Gene: TIA1 (TIA1 cytotoxic granule associated RNA binding protein; minus strand). Cytogenetic location: 2p13.3.
Variant type: single nucleotide variant.
Coding change: c.475-3C>T on transcript NM_022173.4 (MANE Select); 3 bases into the intron before coding-DNA position 475, C replaced by T.
Molecular consequence: intron variant.
Genome position (GRCh38, 1-based): chr2:70,216,997, G>A on the plus strand (C>T on the coding strand, the complement: TIA1 is on the minus strand). VCF-style: chr2-70216997-G-A. GRCh37 (hg19) VCF-style: chr2-70444129-G-A.
Other names: c.331-3C>T (NM_001351513.1); c.364-3C>T (NM_001351511.1); c.337-3C>T (NM_001351512.1); c.247-3C>T (NM_001351514.2); c.55-3C>T (NM_001351524.2, NM_001351517.2, NM_001351525.2); c.442-3C>T (NM_001351510.2, NM_022037.4); c.172-3C>T (NM_001351515.2); c.475-3C>T (NM_001351508.2, NM_001351516.2, NM_001351518.2 and 1 more transcripts); and 1 more.
Identifiers: ClinVar variation 458840 (VCV000458840.11), dbSNP rs200499196, ClinGen allele CA1697553.